The following is an entry in ClinVar:

NM_001035.3(RYR2):c.14238_14243del (p.Ile4746_Ala4747del)

Gene: RYR2 (ryanodine receptor 2; plus strand). Cytogenetic location: 1q43.
Variant type: Deletion.
Coding change: c.14238_14243del on transcript NM_001035.3 (MANE Select); coding-DNA positions 14238 to 14243, 6 bases deleted (TGCTAT; older notation c.14238_14243delTGCTAT).
Protein change: p.Ile4746_Ala4747del.
Molecular consequence: inframe deletion.
Genome position (GRCh38, 1-based): chr1:237,806,223-237,806,228, TGCTAT deleted; deleting any 6 consecutive bases within chr1:237,806,221-237,806,228 gives the same sequence; the c. name uses the placement nearest the transcript's 3' end. VCF-style (leftmost placement, unchanged base first): chr1-237806220-CATTGCT-C. GRCh37 (hg19) VCF-style: chr1-237969520-CATTGCT-C.
Identifiers: ClinVar variation 1025909 (VCV001025909.10), dbSNP rs1660618834, ClinGen allele CA2487492186.

ClinVar aggregate classification (germline): Uncertain significance (1 of 4 stars; one submission).

Conditions:
Catecholaminergic polymorphic ventricular tachycardia 1. Also called: RYR2-Related Catecholaminergic Polymorphic Ventricular Tachycardia; VENTRICULAR TACHYCARDIA, CATECHOLAMINERGIC POLYMORPHIC, 1, WITH OR WITHOUT ATRIAL DYSFUNCTION AND/OR DILATED CARDIOMYOPATHY; VENTRICULAR TACHYCARDIA, STRESS-INDUCED POLYMORPHIC 1. Identifiers: Orphanet 3286, MedGen C1631597, MONDO:0011484, OMIM 604772.

Submission:

Labcorp Genetics (formerly Invitae), Labcorp
Classification: Uncertain significance for Catecholaminergic polymorphic ventricular tachycardia 1. Last evaluated: 2020-10-16. Review status: criteria provided, single submitter. Criteria: Invitae Variant Classification Sherloc (09022015). Collection method: clinical testing. Allele origin: germline.
Comment: In summary, the available evidence is currently insufficient to determine the role of this variant in disease. Therefore, it has been classified as a Variant of Uncertain Significance. Experimental studies and prediction algorithms are not available or were not evaluated, and the functional significance of this variant is currently unknown. This variant has not been reported in the literature in individuals with RYR2-related conditions. This variant is not present in population databases (ExAC no frequency). This variant, c.14238_14243del, results in the deletion of 2 amino acid(s) of the RYR2 protein (p.Ile4746_Ala4747del), but otherwise preserves the integrity of the reading frame.